The following is an entry in ClinVar:

ClinVar aggregate classification (germline): Uncertain significance (1 of 4 stars; one submission).

Conditions:
Congenital hyperammonemia, type I. Also called: CPS I DEFICIENCY; Carbamoyl-phosphate synthase I deficiency; Carbamoyl phosphate synthetase 1 deficiency; Hyperammonemia due to carbamoyl phosphate synthetase 1 deficiency; CPS 1 deficiency; Carbamyl phosphate synthetase (CPS) deficiency. Identifiers: Orphanet 147, MedGen C4082171, MONDO:0009376, OMIM 237300.

Allele frequency attached by ClinVar (database versions not stated): TOPMed below 0.00001.
gnomAD v4.1: 1 of 1,612,078 alleles (0.000062%); highest among the groups gnomAD compares: Middle Eastern, 0.017%; no homozygotes.

Submission:

Labcorp Genetics (formerly Invitae), Labcorp
Classification: Uncertain significance for Congenital hyperammonemia, type I. Last evaluated: 2022-02-14. Review status: criteria provided, single submitter. Criteria: Invitae Variant Classification Sherloc (09022015). Collection method: clinical testing. Allele origin: germline.
Comment: This sequence change replaces phenylalanine, which is neutral and non-polar, with leucine, which is neutral and non-polar, at codon 521 of the CPS1 protein (p.Phe521Leu). This variant is not present in population databases (gnomAD no frequency). This variant has not been reported in the literature in individuals affected with CPS1-related conditions. Algorithms developed to predict the effect of missense changes on protein structure and function (SIFT, PolyPhen-2, Align-GVGD) all suggest that this variant is likely to be tolerated. In summary, the available evidence is currently insufficient to determine the role of this variant in disease. Therefore, it has been classified as a Variant of Uncertain Significance.

NM_001875.5(CPS1):c.1561T>C (p.Phe521Leu)

Gene: CPS1 (carbamoyl-phosphate synthase 1; plus strand). Cytogenetic location: 2q34.
Variant type: single nucleotide variant.
Coding change: c.1561T>C on transcript NM_001875.5 (MANE Select); coding-DNA position 1561, T replaced by C.
Protein change: p.Phe521Leu; replaces phenylalanine 521 with leucine.
Molecular consequence: missense variant. On other transcripts: non-coding transcript variant (2).
Genome position (GRCh38, 1-based): chr2:210,600,566, T>C. VCF-style: chr2-210600566-T-C. GRCh37 (hg19) VCF-style: chr2-211465290-T-C.
Other names: c.1561T>C, p.Phe521Leu (NM_001122633.3, NM_001369257.1); c.1594T>C, p.Phe532Leu (NM_001369256.1); short protein forms F521L, F532L.
Identifiers: ClinVar variation 1422400 (VCV001422400.3), dbSNP rs1698684090, ClinGen allele CA350436516.